The following is an entry in ClinVar:

ClinVar aggregate classification (germline): Benign/Likely benign. Review status: criteria provided, multiple submitters, no conflicts (2 of 4 stars). 3 submissions from 3 submitters: Benign (1); Likely benign (2). Last evaluated 2026-01-24.

Allele frequency attached by ClinVar (database versions not stated): gnomAD exomes 0.00076; ExAC 0.00084; ESP Exome Variant Server 0.00185; 1000 Genomes Project 0.00260; gnomAD 0.00266 and 0.00293; 1000 Genomes Project 30x 0.00281; TOPMed 0.00317.
gnomAD v4.1: 808 of 1,614,030 alleles (0.05%); highest among the groups gnomAD compares: African/African-American, 0.92%; 1 homozygote.

Submissions (3):

Labcorp Genetics (formerly Invitae), Labcorp
Classification: Benign. Last evaluated: 2026-01-24. Review status: criteria provided, single submitter. Criteria: Invitae Variant Classification Sherloc (09022015). Collection method: clinical testing. Allele origin: germline.

Mayo Clinic Laboratories, Mayo Clinic
Classification: Likely benign. Last evaluated: 2025-06-20. Review status: criteria provided, single submitter. Criteria: ACMG Guidelines, 2015. Collection method: clinical testing. Allele origin: germline. Observed: 1 variant allele.
Comment: BS1, BP4, BP7

Blueprint Genetics
Classification: Likely benign. Last evaluated: 2024-10-24. Review status: criteria provided, single submitter. Criteria: ACMG Guidelines, 2015. Collection method: clinical testing. Allele origin: germline.

NM_015650.4(IFT54):c.1368-6G>T

Gene: IFT54 (intraflagellar transport 54; plus strand). Cytogenetic location: 2q37.3.
Variant type: single nucleotide variant.
Coding change: c.1368-6G>T on transcript NM_015650.4 (MANE Select); 6 bases into the intron before coding-DNA position 1368, G replaced by T.
Molecular consequence: intron variant.
Genome position (GRCh38, 1-based): chr2:238,349,319, G>T. VCF-style: chr2-238349319-G-T. GRCh37 (hg19) VCF-style: chr2-239257960-G-T.
Other names: p.?; c.1170-6G>T (NM_001139490.1).
Identifiers: ClinVar variation 785997 (VCV000785997.13), dbSNP rs115037942, ClinGen allele CA2198432.
Genomic context (GRCh38, chr2:238,349,319, plus strand): 5'-CTTTTCCAGTTTGAAATGTATAAGCCTTTCATACTCCTTTTTTGGTTTTCCAATATTTGG[G>T]TTTAGAAGAATTCCTCGGCCTGGGAGTGCAAGACCAGCCCCTCCCCGGGTCAAACGGCAA-3'